The following is an entry in ClinVar:

ClinVar aggregate classification (germline): Likely benign (1 of 4 stars; one submission).

Allele frequency attached by ClinVar (database versions not stated): 1000 Genomes Project 0.00120; 1000 Genomes Project 30x 0.00125; TOPMed 0.00502; gnomAD 0.00507; ExAC 0.00681; ESP Exome Variant Server 0.00718.
gnomAD v4.1: 11,112 of 1,596,642 alleles (0.7%); highest among the groups gnomAD compares: Non-Finnish European, 0.85%; 46 homozygotes.

Submission:

CeGaT Center for Human Genetics Tuebingen
Classification: Likely benign. Last evaluated: 2023-03-01. Review status: criteria provided, single submitter. Criteria: CeGaT Center For Human Genetics Tuebingen Variant Classification Criteria Version 2. Collection method: clinical testing. Allele origin: germline. Affected: yes. Observed: 4 variant alleles.
Comment: SPTBN5: BP4, BS2

NM_016642.4(SPTBN5):c.9856C>T (p.Pro3286Ser)

Gene: SPTBN5 (spectrin beta, non-erythrocytic 5; minus strand). Cytogenetic location: 15q15.1.
Variant type: single nucleotide variant.
Coding change: c.9856C>T on transcript NM_016642.4 (MANE Select); coding-DNA position 9856, C replaced by T.
Protein change: p.Pro3286Ser; replaces proline 3286 with serine.
Molecular consequence: missense variant.
Genome position (GRCh38, 1-based): chr15:41,853,706, G>A on the plus strand (C>T on the coding strand, the complement: SPTBN5 is on the minus strand). VCF-style: chr15-41853706-G-A. GRCh37 (hg19) VCF-style: chr15-42145904-G-A.
Other names: short protein forms P3286S.
Identifiers: ClinVar variation 2645206 (VCV002645206.24), dbSNP rs188061762, ClinGen allele CA7501253.